The following is an entry in ClinVar:

NM_052867.4(NALCN):c.1673A>G (p.Asp558Gly)

Gene: NALCN (sodium leak channel, non-selective; minus strand). Cytogenetic location: 13q33.1.
Variant type: single nucleotide variant.
Coding change: c.1673A>G on transcript NM_052867.4 (MANE Select); coding-DNA position 1673, A replaced by G.
Protein change: p.Asp558Gly; replaces aspartic acid 558 with glycine.
Molecular consequence: missense variant.
Genome position (GRCh38, 1-based): chr13:101,192,008, T>C on the plus strand (A>G on the coding strand, the complement: NALCN is on the minus strand). VCF-style: chr13-101192008-T-C. GRCh37 (hg19) VCF-style: chr13-101844359-T-C.
Other names: c.1673A>G, p.Asp558Gly (NM_001350748.2, NM_001350749.2); c.1586A>G, p.Asp529Gly (NM_001350750.2, NM_001350751.2); short protein forms D558G, D529G.
Identifiers: ClinVar variation 420820 (VCV000420820.4), dbSNP rs1064794722, ClinGen allele CA16619609.

ClinVar aggregate classification (germline): Conflicting classifications of pathogenicity. Review status: criteria provided, conflicting classifications (1 of 4 stars). 3 submissions from 3 submitters: Likely pathogenic (1); Uncertain significance (2). Last evaluated 2025-07-30.

Submissions (3):

Labcorp Genetics (formerly Invitae), Labcorp
Classification: Uncertain significance. Last evaluated: 2025-07-30. Review status: criteria provided, single submitter. Criteria: Invitae Variant Classification Sherloc (09022015). Collection method: clinical testing. Allele origin: germline.
Comment: This sequence change replaces aspartic acid, which is acidic and polar, with glycine, which is neutral and non-polar, at codon 558 of the NALCN protein (p.Asp558Gly). This variant is not present in population databases (gnomAD no frequency). This variant has not been reported in the literature in individuals affected with NALCN-related conditions. ClinVar contains an entry for this variant (Variation ID: 420820). Invitae Evidence Modeling of protein sequence and biophysical properties (such as structural, functional, and spatial information, amino acid conservation, physicochemical variation, residue mobility, and thermodynamic stability) indicates that this missense variant is not expected to disrupt NALCN protein function with a negative predictive value of 80%. In summary, the available evidence is currently insufficient to determine the role of this variant in disease. Therefore, it has been classified as a Variant of Uncertain Significance.

Blueprint Genetics
Classification: Uncertain significance. Last evaluated: 2024-10-31. Review status: criteria provided, single submitter. Criteria: ACMG Guidelines, 2015. Collection method: clinical testing. Allele origin: germline.

GeneDx
Classification: Likely pathogenic. Last evaluated: 2016-03-28. Review status: criteria provided, single submitter. Criteria: GeneDx Variant Classification (06012015). Collection method: clinical testing. Allele origin: germline. Affected: yes.
Comment: The D558G variant in the NALCN gene has not been reported previously as a pathogenic variant, noras a benign variant, to our knowledge. The D558G variant was not observed in approximately 6,500individuals of European and African American ancestry in the NHLBI Exome Sequencing Project,indicating it is not a common benign variant in these populations. The D558G variant is anon-conservative amino acid substitution, which is likely to impact secondary protein structure asthese residues differ in polarity, charge, size and/or other properties. This substitution occurs at aposition that is conserved across species. In silico analysis is inconsistent in its predictions as towhether or not the variant is damaging to the protein structure/function. The D558G variant is astrong candidate for a pathogenic variant, however the possibility it may be a rare benign variantcannot be excluded.